The following is an entry in ClinVar:

ClinVar aggregate classification (germline): Pathogenic/Likely pathogenic. Review status: criteria provided, multiple submitters, no conflicts (2 of 4 stars). 3 submissions from 3 submitters: Pathogenic (2); Likely pathogenic (1). Last evaluated 2025-11-14.

Conditions:
Inborn genetic diseases. Identifiers: MedGen C0950123, MeSH D030342.
DDX41-related hematologic malignancy predisposition syndrome. Also called: Myeloproliferative/lymphoproliferative neoplasms, familial (multiple types), susceptibility to; DDX41-Associated Familial Myelodysplastic Syndrome and Acute Myeloid Leukemia. Identifiers: Orphanet 488647, MedGen C4225174, MONDO:0014809, OMIM 616871.

Submissions (3):

Ambry Genetics
Classification: Pathogenic for Inborn genetic diseases. Last evaluated: 2025-11-14. Review status: criteria provided, single submitter. Criteria: Ambry Variant Classification Scheme 2023. Collection method: clinical testing. Allele origin: germline.
Comment: The c.1496delC pathogenic mutation, located in coding exon 14 of the DDX41 gene, results from a deletion of one nucleotide at nucleotide position 1496, causing a translational frameshift with a predicted alternate stop codon (p.P499Lfs*47). This variant is considered to be rare based on population cohorts in the Genome Aggregation Database (gnomAD). This alteration is expected to result in loss of function by premature protein truncation or nonsense-mediated mRNA decay. As such, this alteration is interpreted as a disease-causing mutation.

Labcorp Genetics (formerly Invitae), Labcorp
Classification: Pathogenic. Last evaluated: 2023-07-11. Review status: criteria provided, single submitter. Criteria: Invitae Variant Classification Sherloc (09022015). Collection method: clinical testing. Allele origin: germline.
Comment: This variant has not been reported in the literature in individuals affected with DDX41-related conditions. This variant is not present in population databases (gnomAD no frequency). This sequence change creates a premature translational stop signal (p.Pro499Leufs*47) in the DDX41 gene. It is expected to result in an absent or disrupted protein product. Loss-of-function variants in DDX41 are known to be pathogenic (PMID: 26712909, 27133828). For these reasons, this variant has been classified as Pathogenic.

Baylor Genetics
Classification: Likely pathogenic for DDX41-related hematologic malignancy predisposition syndrome. Last evaluated: 2023-02-20. Review status: criteria provided, single submitter. Criteria: ACMG Guidelines, 2015. Collection method: clinical testing. Allele origin: unknown.

Literature cited by the submitters: PubMed 26712909 (cited by Labcorp Genetics (formerly Invitae), Labcorp); PubMed 27133828 (cited by Labcorp Genetics (formerly Invitae), Labcorp).

NM_016222.4(DDX41):c.1496del (p.Pro499fs)

Gene: DDX41 (DEAD-box helicase 41; minus strand). Cytogenetic location: 5q35.3.
Variant type: Deletion.
Coding change: c.1496del on transcript NM_016222.4 (MANE Select); coding-DNA position 1496, one base deleted (C; older notation c.1496delC).
Protein change: p.Pro499fs; shifts the reading frame from proline 499.
Molecular consequence: frameshift variant.
Genome position (GRCh38, 1-based): chr5:177,512,549, G deleted on the plus strand (C on the coding strand, the reverse complement: DDX41 is on the minus strand); the first of 3 consecutive G bases (chr5:177,512,549-177,512,551); deleting any one gives the same sequence. VCF-style (leftmost placement, unchanged base first): chr5-177512548-AG-A. GRCh37 (hg19) VCF-style: chr5-176939549-AG-A.
Other names: c.1496delC (NM_016222.2); c.1118del, p.Pro373fs (NM_001321732.2, NM_001321830.2); short protein forms P373fs, P499fs.
Identifiers: ClinVar variation 2674795 (VCV002674795.5), dbSNP rs753425379, ClinGen allele CA132889694.